The following is an entry in ClinVar:

ClinVar aggregate classification (germline): Uncertain significance. Review status: criteria provided, multiple submitters, no conflicts (2 of 4 stars). 2 submissions from 2 submitters: Uncertain significance (2). Last evaluated 2026-08-19.

Conditions:
Inborn genetic diseases. Identifiers: MedGen C0950123, MeSH D030342.
Deafness-lymphedema-leukemia syndrome. Also called: Emberger syndrome; Lymphedema, primary, with myelodysplasia. Identifiers: Orphanet 3226, MedGen C3279664, MONDO:0013540, OMIM 614038.
Monocytopenia with susceptibility to infections. Also called: MONOCYTOPENIA AND MYCOBACTERIAL INFECTION SYNDROME; MONOCYTOPENIA WITH SUSCEPTIBILITY TO MYCOBACTERIAL, FUNGAL, AND PAPILLOMAVIRUS INFECTIONS AND MYELODYSPLASIA; COMBINED IMMUNODEFICIENCY WITH SUSCEPTIBILITY TO MYCOBACTERIAL, VIRAL, AND FUNGAL INFECTIONS; Dendritic cell, monocyte, B lymphocyte, and natural killer lymphocyte deficiency; GATA2 DEFICIENCY; IMMUNODEFICIENCY 21. Identifiers: Orphanet 228423, MedGen C3280030, MONDO:0013607, OMIM 614172.

Allele frequency attached by ClinVar (database versions not stated): gnomAD exomes below 0.00001; ExAC 0.00001.
gnomAD v4.1: 1 of 1,614,166 alleles (0.000062%); highest among the groups gnomAD compares: East Asian, 0.0022%; no homozygotes.

Submissions (2):

Ambry Genetics
Classification: Uncertain significance for Inborn genetic diseases. Last evaluated: 2026-08-19. Review status: criteria provided, single submitter. Criteria: Ambry Variant Classification Scheme 2023. Collection method: clinical testing. Allele origin: germline.
Comment: The p.S429R variant (also known as c.1287T>A), located in coding exon 5 of the GATA2 gene, results from a T to A substitution at nucleotide position 1287. The serine at codon 429 is replaced by arginine, an amino acid with dissimilar properties. This amino acid position is conserved. In addition, the in silico prediction for this alteration is inconclusive. Based on the available evidence, the clinical significance of this variant remains unclear.

Labcorp Genetics (formerly Invitae), Labcorp
Classification: Uncertain significance for Monocytopenia with susceptibility to infections; Deafness-lymphedema-leukemia syndrome. Last evaluated: 2023-12-19. Review status: criteria provided, single submitter. Criteria: Invitae Variant Classification Sherloc (09022015). Collection method: clinical testing. Allele origin: germline.
Comment: This sequence change replaces serine, which is neutral and polar, with arginine, which is basic and polar, at codon 429 of the GATA2 protein (p.Ser429Arg). This variant is present in population databases (rs777283732, gnomAD 0.006%). This variant has not been reported in the literature in individuals affected with GATA2-related conditions. Advanced modeling of protein sequence and biophysical properties (such as structural, functional, and spatial information, amino acid conservation, physicochemical variation, residue mobility, and thermodynamic stability) has been performed at Invitae for this missense variant, however the output from this modeling did not meet the statistical confidence thresholds required to predict the impact of this variant on GATA2 protein function. In summary, the available evidence is currently insufficient to determine the role of this variant in disease. Therefore, it has been classified as a Variant of Uncertain Significance.

NM_032638.5(GATA2):c.1287T>A (p.Ser429Arg)

Gene: GATA2 (GATA binding protein 2; minus strand). Cytogenetic location: 3q21.3.
Variant type: single nucleotide variant.
Coding change: c.1287T>A on transcript NM_032638.5 (MANE Select); coding-DNA position 1287, T replaced by A.
Protein change: p.Ser429Arg; replaces serine 429 with arginine.
Molecular consequence: missense variant.
Genome position (GRCh38, 1-based): chr3:128,481,175, A>T on the plus strand (T>A on the coding strand, the complement: GATA2 is on the minus strand). VCF-style: chr3-128481175-A-T. GRCh37 (hg19) VCF-style: chr3-128200018-A-T.
Other names: c.1287T>A, p.Ser429Arg (NM_001145661.2); c.1245T>A, p.Ser415Arg (NM_001145662.1); short protein forms S415R, S429R.
Identifiers: ClinVar variation 2926034 (VCV002926034.4), dbSNP rs777283732, ClinGen allele CA2599807.